The following is an entry in ClinVar:

NM_000263.4(NAGLU):c.383+1G>A

Gene: NAGLU (N-acetyl-alpha-glucosaminidase; plus strand). Cytogenetic location: 17q21.2.
Variant type: single nucleotide variant.
Coding change: c.383+1G>A on transcript NM_000263.4 (MANE Select); the canonical splice donor site of the intron after coding-DNA position 383, G replaced by A.
Molecular consequence: splice donor variant.
Genome position (GRCh38, 1-based): chr17:42,536,656, G>A. VCF-style: chr17-42536656-G-A. GRCh37 (hg19) VCF-style: chr17-40688674-G-A.
Identifiers: ClinVar variation 3776261 (VCV003776261.1).

ClinVar aggregate classification (germline): Likely pathogenic (1 of 4 stars; one submission).

Conditions:
Mucopolysaccharidosis, MPS-III-B (MPS3B). Also called: N-ACETYL-ALPHA-D-GLUCOSAMINIDASE DEFICIENCY; NAGLU DEFICIENCY; SANFILIPPO SYNDROME B; MPS III B; Mucopolysaccharidosis type IIIB (Sanfilippo B); MUCOPOLYSACCHARIDOSIS, TYPE IIIB. Identifiers: Orphanet 79270, MedGen C0086648, MONDO:0009656, OMIM 252920.

Submission:

3billion
Classification: Likely pathogenic for Mucopolysaccharidosis, MPS-III-B. Last evaluated: 2024-02-15. Review status: criteria provided, single submitter. Criteria: ACMG Guidelines, 2015. Collection method: clinical testing. Allele origin: germline. Affected: yes.
Comment: The variant is not observed in the gnomAD v2.1.1 dataset. Predicted Consequence/Location: Canonical splice site: predicted to alter splicing and result in a loss or disruption of normal protein function. Multiple pathogenic loss-of-function variants are reported downstream of the variant. Therefore, this variant is classified as Likely pathogenic according to the recommendation of ACMG/AMP guideline.